The following is an entry in ClinVar:

ClinVar aggregate classification (germline): Uncertain significance (1 of 4 stars; one submission).

Conditions:
Familial sleep-related hypermotor epilepsy. Also called: Autosomal Dominant Sleep-Related Hypermotor (Hyperkinetic) Epilepsy. Identifiers: Orphanet 98784, MedGen C3696898, MONDO:0000030.

Submission:

Labcorp Genetics (formerly Invitae), Labcorp
Classification: Uncertain significance. Last evaluated: 2025-10-23. Review status: criteria provided, single submitter. Criteria: Invitae Variant Classification Sherloc (09022015). Collection method: clinical testing. Allele origin: germline.
Comment: This sequence change creates a premature translational stop signal (p.Pro393Leufs*172) in the CHRNA4 gene. It is expected to result in an absent or disrupted protein product. However, the current clinical and genetic evidence is not sufficient to establish whether loss-of-function variants in CHRNA4 cause disease. The frequency data for this variant in the population databases is considered unreliable, as metrics indicate poor data quality at this position in the gnomAD database. This variant has not been reported in the literature in individuals affected with CHRNA4-related conditions. This premature translational stop signal has been observed in at least one individual who was not affected with CHRNA4-related conditions (internal data). ClinVar contains an entry for this variant (Variation ID: 1426767). In summary, the available evidence is currently insufficient to determine the role of this variant in disease. Therefore, it has been classified as a Variant of Uncertain Significance.

NM_000744.7(CHRNA4):c.1178del (p.Pro393fs)

Gene: CHRNA4 (cholinergic receptor nicotinic alpha 4 subunit; minus strand). Cytogenetic location: 20q13.33.
Variant type: Deletion.
Coding change: c.1178del on transcript NM_000744.7 (MANE Select); coding-DNA position 1178, one base deleted (C; older notation c.1178delC).
Protein change: p.Pro393fs; shifts the reading frame from proline 393.
Molecular consequence: frameshift variant. On other transcripts: non-coding transcript variant (1).
Genome position (GRCh38, 1-based): chr20:63,350,233, G deleted on the plus strand (C on the coding strand, the reverse complement: CHRNA4 is on the minus strand); the first of 5 consecutive G bases (chr20:63,350,233-63,350,237); deleting any one gives the same sequence. VCF-style (leftmost placement, unchanged base first): chr20-63350232-AG-A. GRCh37 (hg19) VCF-style: chr20-61981584-AG-A.
Other names: c.650del, p.Pro217fs (NM_001256573.2); short protein forms P217fs, P393fs.
Identifiers: ClinVar variation 1426767 (VCV001426767.6), dbSNP rs1435638963, ClinGen allele CA511338804.